The following is an entry in ClinVar:

ClinVar aggregate classification (germline): Uncertain significance (1 of 4 stars; one submission).

Submission:

Labcorp Genetics (formerly Invitae), Labcorp
Classification: Uncertain significance. Last evaluated: 2025-12-24. Review status: criteria provided, single submitter. Criteria: Invitae Variant Classification Sherloc (09022015). Collection method: clinical testing. Allele origin: germline.
Comment: This sequence change replaces glycine, which is neutral and non-polar, with serine, which is neutral and polar, at codon 221 of the EPHB4 protein (p.Gly221Ser). This variant is present in population databases (rs764227166, gnomAD 0.003%). This variant has not been reported in the literature in individuals affected with EPHB4-related conditions. Invitae Evidence Modeling of protein sequence and biophysical properties (such as structural, functional, and spatial information, amino acid conservation, physicochemical variation, residue mobility, and thermodynamic stability) indicates that this missense variant is expected to disrupt EPHB4 protein function with a positive predictive value of 95%. In summary, the available evidence is currently insufficient to determine the role of this variant in disease. Therefore, it has been classified as a Variant of Uncertain Significance.

NM_004444.5(EPHB4):c.661G>A (p.Gly221Ser)

Gene: EPHB4 (EPH receptor B4; minus strand). Cytogenetic location: 7q22.1.
Variant type: single nucleotide variant.
Coding change: c.661G>A on transcript NM_004444.5 (MANE Select); coding-DNA position 661, G replaced by A.
Protein change: p.Gly221Ser; replaces glycine 221 with serine.
Molecular consequence: missense variant.
Genome position (GRCh38, 1-based): chr7:100,822,418, C>T on the plus strand (G>A on the coding strand, the complement: EPHB4 is on the minus strand). VCF-style: chr7-100822418-C-T. GRCh37 (hg19) VCF-style: chr7-100420040-C-T.
Other names: short protein forms G221S.
Identifiers: ClinVar variation 4780394 (VCV004780394.1).